The following is an entry in ClinVar:

NM_014283.5(SUCO):c.1393T>C (p.Tyr465His)

Gene: SUCO (SUN domain containing ossification factor; plus strand). Cytogenetic location: 1q24.3.
Variant type: single nucleotide variant.
Coding change: c.1393T>C on transcript NM_014283.5 (MANE Select); coding-DNA position 1393, T replaced by C.
Protein change: p.Tyr465His; replaces tyrosine 465 with histidine.
Molecular consequence: missense variant. On other transcripts: 5 prime UTR variant (1).
Genome position (GRCh38, 1-based): chr1:172,578,350, T>C. VCF-style: chr1-172578350-T-C. GRCh37 (hg19) VCF-style: chr1-172547490-T-C.
Other names: c.1282T>C, p.Tyr428His (NM_001282750.2); c.-137T>C (NM_001282751.2); c.1846T>C, p.Tyr616His (NM_016227.4); short protein forms Y465H, Y428H, Y616H.
Identifiers: ClinVar variation 1362920 (VCV001362920.8), dbSNP rs763616988, ClinGen allele CA1246855.

ClinVar aggregate classification (germline): Uncertain significance (1 of 4 stars; one submission).

Allele frequency attached by ClinVar (database versions not stated): gnomAD exomes 0.00001 and 0.00004; ExAC 0.00002; TOPMed 0.00003.
gnomAD v4.1: 13 of 1,612,754 alleles (0.00081%); highest among the groups gnomAD compares: Admixed American, 0.017%; no homozygotes.

Submission:

Labcorp Genetics (formerly Invitae), Labcorp
Classification: Uncertain significance. Last evaluated: 2025-07-10. Review status: criteria provided, single submitter. Criteria: Invitae Variant Classification Sherloc (09022015). Collection method: clinical testing. Allele origin: germline.
Comment: This sequence change replaces tyrosine, which is neutral and polar, with histidine, which is basic and polar, at codon 465 of the SUCO protein (p.Tyr465His). This variant is present in population databases (rs763616988, gnomAD 0.02%). This variant has not been reported in the literature in individuals affected with SUCO-related conditions. ClinVar contains an entry for this variant (Variation ID: 1362920). An algorithm developed to predict the effect of missense changes on protein structure and function (PolyPhen-2) suggests that this variant is likely to be disruptive. In summary, the available evidence is currently insufficient to determine the role of this variant in disease. Therefore, it has been classified as a Variant of Uncertain Significance.